The following is an entry in ClinVar:

ClinVar aggregate classification (germline): Uncertain significance. Review status: criteria provided, multiple submitters, no conflicts (2 of 4 stars). 3 submissions from 3 submitters: Uncertain significance (3). Last evaluated 2026-09-21.

Conditions:
TRIOBP-related disorder. Also called: TRIOBP-related condition.
Autosomal recessive nonsyndromic hearing loss 28. Identifiers: Orphanet 90636, MedGen C1853276, MONDO:0012355, OMIM 609823.

Submissions (3):

PreventionGenetics, part of Exact Sciences
Classification: Uncertain significance for TRIOBP-related condition. Last evaluated: 2026-09-21. Review status: criteria provided, single submitter. Criteria: ACMG Guidelines, 2015. Collection method: clinical testing. Allele origin: germline.
Comment: The TRIOBP c.2061_2132del72 variant is predicted to result in an in-frame deletion (p.Ser688_Pro711del). To our knowledge, this variant has not been reported in the literature. This variant is reported in 0.0087% of alleles in individuals of Latino descent in gnomAD. At this time, the clinical significance of this variant is uncertain due to the absence of conclusive functional and genetic evidence.

Labcorp Genetics (formerly Invitae), Labcorp
Classification: Uncertain significance. Last evaluated: 2022-06-20. Review status: criteria provided, single submitter. Criteria: Invitae Variant Classification Sherloc (09022015). Collection method: clinical testing. Allele origin: germline.
Comment: This variant, c.2061_2132del, results in the deletion of 24 amino acid(s) of the TRIOBP protein (p.Ser688_Pro711del), but otherwise preserves the integrity of the reading frame. This variant is present in population databases (no rsID available, gnomAD 0.009%). This variant has not been reported in the literature in individuals affected with TRIOBP-related conditions. ClinVar contains an entry for this variant (Variation ID: 638335). Experimental studies and prediction algorithms are not available or were not evaluated, and the functional significance of this variant is currently unknown. In summary, the available evidence is currently insufficient to determine the role of this variant in disease. Therefore, it has been classified as a Variant of Uncertain Significance.

Genomic Research Center, Shahid Beheshti University of Medical Sciences
Classification: Uncertain significance for Deafness, autosomal recessive 28. Last evaluated: 2019-04-27. Review status: criteria provided, single submitter. Criteria: ACMG Guidelines, 2015. Collection method: clinical testing. Allele origin: unknown. Affected: no.

NM_001039141.3(TRIOBP):c.2061_2132del (p.Ser688_Pro711del)

Gene: TRIOBP (TRIO and F-actin binding protein; plus strand). Cytogenetic location: 22q13.1.
Variant type: Deletion.
Coding change: c.2061_2132del on transcript NM_001039141.3 (MANE Select); coding-DNA positions 2061 to 2132, 72 bases deleted.
Protein change: p.Ser688_Pro711del.
Molecular consequence: inframe deletion.
Genome position (GRCh38, 1-based): chr22:37,724,617-37,724,688, 72 bases deleted. GRCh37 (hg19): chr22:38,120,624-38,120,695.
Other names: c.2061_2132del72 (NM_001039141.2).
Identifiers: ClinVar variation 638335 (VCV000638335.9), dbSNP rs1569041188, ClinGen allele CA10223769.